The following is an entry in ClinVar:

ClinVar aggregate classification (germline): Uncertain significance (1 of 4 stars; one submission).

gnomAD v4.1: 1 of 1,614,066 alleles (0.000062%); highest among the groups gnomAD compares: Admixed American, 0.0017%; no homozygotes.

Submission:

Labcorp Genetics (formerly Invitae), Labcorp
Classification: Uncertain significance. Last evaluated: 2024-08-12. Review status: criteria provided, single submitter. Criteria: Invitae Variant Classification Sherloc (09022015). Collection method: clinical testing. Allele origin: germline.
Comment: This sequence change replaces aspartic acid, which is acidic and polar, with glutamic acid, which is acidic and polar, at codon 328 of the FAN1 protein (p.Asp328Glu). This variant is not present in population databases (gnomAD no frequency). This variant has not been reported in the literature in individuals affected with FAN1-related conditions. An algorithm developed to predict the effect of missense changes on protein structure and function (PolyPhen-2) suggests that this variant is likely to be tolerated. In summary, the available evidence is currently insufficient to determine the role of this variant in disease. Therefore, it has been classified as a Variant of Uncertain Significance.

NM_014967.5(FAN1):c.984T>G (p.Asp328Glu)

Gene: FAN1 (FANCD2 and FANCI associated nuclease 1; plus strand). Cytogenetic location: 15q13.3.
Variant type: single nucleotide variant.
Coding change: c.984T>G on transcript NM_014967.5 (MANE Select); coding-DNA position 984, T replaced by G.
Protein change: p.Asp328Glu; replaces aspartic acid 328 with glutamic acid.
Molecular consequence: missense variant.
Genome position (GRCh38, 1-based): chr15:30,905,647, T>G. VCF-style: chr15-30905647-T-G. GRCh37 (hg19) VCF-style: chr15-31197850-T-G.
Other names: c.984T>G, p.Asp328Glu (NM_001146095.1, NM_001146096.2, NM_001146094.2); short protein forms D328E.
Identifiers: ClinVar variation 3681328 (VCV003681328.2).
Genomic context (GRCh38, chr15:30,905,647, plus strand): 5'-TGCTTCAGAAGCTAAAATACAGCTGTCAGATTCAGAGGCAAAATCTCATAGTTCTGCAGA[T>G]GATGCTTCTGCATGGAGTAACATCCAAGAGGCTCCTCTGCAGGATGACAGTTGCTTAAAC-3'
Protein context (NP_055782.3, residues 318-338): DSEAKSHSSA[Asp328Glu]DASAWSNIQE